The following is an entry in ClinVar:

NM_000348.4(SRD5A2):c.431dup (p.Arg145fs)

Gene: SRD5A2 (steroid 5 alpha-reductase 2; minus strand). Cytogenetic location: 2p23.1.
Variant type: Duplication.
Coding change: c.431dup on transcript NM_000348.4 (MANE Select); coding-DNA position 431, one base duplicated (T; older notation c.431dupT).
Protein change: p.Arg145fs; shifts the reading frame from arginine 145.
Molecular consequence: frameshift variant.
Genome position (GRCh38, 1-based): chr2:31,533,617, A duplicated on the plus strand (T on the coding strand, the reverse complement: SRD5A2 is on the minus strand). VCF-style (leftmost placement, unchanged base first): chr2-31533616-T-TA. GRCh37 (hg19) VCF-style: chr2-31758686-T-TA.
Other names: short protein forms R145fs.
Identifiers: ClinVar variation 2862678 (VCV002862678.3), dbSNP rs2465632611, ClinGen allele CA2576929420.
Genomic context (GRCh38, chr2:31,533,616, plus strand): 5'-AGGGTTGTTAGCTGGGAAGTAGGTGAGAAGTGGGCAGATTCACTTACCCAAGCTAAACCG[T>TA]ATGTCTGTGTACCACCCATCAGGGTATTCAGCACAGTAAATCAGATAGTAGCCTTGAAGG-3'

ClinVar aggregate classification (germline): Pathogenic (1 of 4 stars; one submission).

Conditions:
3-Oxo-5 alpha-steroid delta 4-dehydrogenase deficiency (PPSH). Also called: FAMILIAL INCOMPLETE MALE PSEUDOHERMAPHRODITISM, TYPE 2; MALE PSEUDOHERMAPHRODITISM DUE TO 5-ALPHA-REDUCTASE DEFICIENCY; PSEUDOVAGINAL PERINEOSCROTAL HYPOSPADIAS; 46,XY disorder of sex development due to 5-alpha-reductase 2 deficiency. Identifiers: Orphanet 753, MedGen C0268297, MONDO:0009923, OMIM 264600. Disease mechanism: loss of function.

Submission:

Labcorp Genetics (formerly Invitae), Labcorp
Classification: Pathogenic for 3-Oxo-5 alpha-steroid delta 4-dehydrogenase deficiency. Last evaluated: 2023-06-03. Review status: criteria provided, single submitter. Criteria: Invitae Variant Classification Sherloc (09022015). Collection method: clinical testing. Allele origin: germline.
Comment: For these reasons, this variant has been classified as Pathogenic. This variant has not been reported in the literature in individuals affected with SRD5A2-related conditions. This variant is not present in population databases (gnomAD no frequency). This sequence change creates a premature translational stop signal (p.Arg145Thrfs*3) in the SRD5A2 gene. It is expected to result in an absent or disrupted protein product. Loss-of-function variants in SRD5A2 are known to be pathogenic (PMID: 1406794, 1944596).

Literature cited by the submitters: PubMed 1406794; PubMed 1944596.